The following is an entry in ClinVar:

NM_000297.4(PKD2):c.1888C>T (p.Gln630Ter)

Gene: PKD2 (polycystin 2, transient receptor potential cation channel; plus strand). Cytogenetic location: 4q22.1.
Variant type: single nucleotide variant.
Coding change: c.1888C>T on transcript NM_000297.4 (MANE Select); coding-DNA position 1888, C replaced by T.
Protein change: p.Gln630Ter; replaces glutamine 630 with a stop codon.
Molecular consequence: nonsense. On other transcripts: non-coding transcript variant (1).
Genome position (GRCh38, 1-based): chr4:88,056,257, C>T. VCF-style: chr4-88056257-C-T. GRCh37 (hg19) VCF-style: chr4-88977409-C-T.
Other names: short protein forms Q630*.
Identifiers: ClinVar variation 3251683 (VCV003251683.1), dbSNP rs1436409379.
Genomic context (GRCh38, chr4:88,056,257, plus strand): 5'-GCGTATGCTCAGTTGGCATACCTTGTCTTTGGCACTCAGGTCGATGACTTCAGTACTTTC[C>T]AAGAGTGTATGTAAGTATATATGAAATTAAGAAGAAAAATTTAATCAGAGTTGTCACTGC-3'

ClinVar aggregate classification (germline): Pathogenic (1 of 4 stars; one submission).

Conditions:
Polycystic kidney disease 2 (PKD2). Also called: Polycystic Kidney Disease 2, Autosomal Dominant; POLYCYSTIC KIDNEY DISEASE, ADULT, TYPE II; POLYCYSTIC KIDNEY DISEASE 2 WITH OR WITHOUT POLYCYSTIC LIVER DISEASE. Identifiers: MedGen C2751306, MONDO:0013131, OMIM 613095.

Allele frequency attached by ClinVar (database versions not stated): gnomAD exomes below 0.00001.
gnomAD v4.1: 1 of 1,606,108 alleles (0.000062%); highest among the groups gnomAD compares: Non-Finnish European, 0.000085%; no homozygotes.

Submission:

Women's Health and Genetics/Laboratory Corporation of America, LabCorp
Classification: Pathogenic for Polycystic kidney disease 2. Last evaluated: 2024-04-25. Review status: criteria provided, single submitter. Criteria: LabCorp Variant Classification Summary - May 2015. Collection method: clinical testing. Allele origin: germline.
Comment: Variant summary: PKD2 c.1888C>T (p.Gln630X) results in a premature termination codon, predicted to cause a truncation of the encoded protein or absence of the protein due to nonsense mediated decay, which are commonly known mechanisms for disease. The variant allele was found at a frequency of 4e-06 in 249550 control chromosomes. c.1888C>T has been reported in the literature in individuals affected with autosomal dominant Polycystic Kidney Disease 2 (e.g. Audrezet_2012). To our knowledge, no experimental evidence demonstrating an impact on protein function has been reported. The following publication has been ascertained in the context of this evaluation (PMID: 22508176). No submitters have cited clinical-significance assessments for this variant to ClinVar. Based on the evidence outlined above, the variant was classified as pathogenic.

Literature cited by the submitters: PubMed 22508176.